The following is an entry in ClinVar:

ClinVar aggregate classification (germline): Benign. Review status: criteria provided, multiple submitters, no conflicts (2 of 4 stars). 3 submissions from 3 submitters: Benign (3). Last evaluated 2025-12-16.

Conditions:
ARR3-related disorder. Also called: ARR3-related condition.

Allele frequency attached by ClinVar (database versions not stated): ESP Exome Variant Server 0.00947; 1000 Genomes Project 0.00212; 1000 Genomes Project 30x 0.00229; ExAC 0.00636; gnomAD exomes 0.00645; gnomAD 0.00671 and 0.00724; TOPMed 0.00682.
gnomAD v4.1: 11,477 of 1,208,299 alleles (0.95%); highest among the groups gnomAD compares: Non-Finnish European, 1.1%; 56 homozygotes.

Submissions (3):

PreventionGenetics, part of Exact Sciences
Classification: Benign for ARR3-related condition. Last evaluated: 2025-12-16. Review status: criteria provided, single submitter. Criteria: ACMG Guidelines, 2015. Collection method: clinical testing. Allele origin: germline.
Comment: This variant is classified as benign based on ACMG/AMP sequence variant interpretation guidelines (Richards et al. 2015 PMID: 25741868, with internal and published modifications).

Labcorp Genetics (formerly Invitae), Labcorp
Classification: Benign. Last evaluated: 2019-12-31. Review status: criteria provided, single submitter. Criteria: Invitae Variant Classification Sherloc (09022015). Collection method: clinical testing. Allele origin: germline.

Breakthrough Genomics
Classification: Benign. Review status: criteria provided, single submitter. Criteria: ACMG Guidelines, 2015. Collection method: not provided. Allele origin: germline. Inheritance: X-linked inheritance. Affected: yes.

NM_004312.3(ARR3):c.896C>G (p.Ser299Cys)

Gene: ARR3 (arrestin 3; plus strand). Cytogenetic location: Xq13.1.
Variant type: single nucleotide variant.
Coding change: c.896C>G on transcript NM_004312.3 (MANE Select); coding-DNA position 896, C replaced by G.
Protein change: p.Ser299Cys; replaces serine 299 with cysteine.
Molecular consequence: missense variant.
Genome position (GRCh38, 1-based): chrX:70,278,632, C>G. VCF-style: chrX-70278632-C-G. GRCh37 (hg19) VCF-style: chrX-69498482-C-G.
Other names: short protein forms S299C.
Identifiers: ClinVar variation 710097 (VCV000710097.6), dbSNP rs12857550, ClinGen allele CA10440497.